The following is an entry in ClinVar:

NM_001276270.2(MBD4):c.1345_1350dup (p.Pro450_Trp451insAspPro)

Gene: MBD4 (methyl-CpG binding domain 4, DNA glycosylase; minus strand). Cytogenetic location: 3q21.3.
Variant type: Duplication.
Coding change: c.1345_1350dup on transcript NM_001276270.2 (MANE Select); coding-DNA positions 1345 to 1350, 6 bases duplicated (GATCCA; older notation c.1345_1350dupGATCCA).
Protein change: p.Pro450_Trp451insAspPro.
Genome position (GRCh38, 1-based): chr3:129,433,893-129,433,898, TGGATC duplicated on the plus strand (GATCCA on the coding strand, the reverse complement: MBD4 is on the minus strand). VCF-style (leftmost placement, unchanged base first): chr3-129433892-A-ATGGATC. GRCh37 (hg19) VCF-style: chr3-129152735-A-ATGGATC.
Other names: c.1345_1350dupGATCCA (NM_001276270.2); c.1363_1368dup, p.Pro456_Trp457insAspPro (NM_001276271.2, NM_001276272.2, NM_003925.3); c.409_414dup, p.Pro138_Trp139insAspPro (NM_001276273.2).
Identifiers: ClinVar variation 4781787 (VCV004781787.2).
Genomic context (GRCh38, chr3:129,433,892, plus strand): 5'-TGATAATAATCCCCAAACCTGAGGTCCGATTGAGAAATATAGTAGCGATGAGAAGCTTCC[A>ATGGATC]TGGATCATGAAAAAGTGTTTCTTGAACGAGATTAAAAGGTGACCGAGGAGGTGTCCATTT-3'

ClinVar aggregate classification (germline): Uncertain significance. Review status: criteria provided, multiple submitters, no conflicts (2 of 4 stars). 2 submissions from 2 submitters: Uncertain significance (2). Last evaluated 2026-06-26.

Conditions:
Inborn genetic diseases. Identifiers: MedGen C0950123, MeSH D030342.

Submissions (2):

Ambry Genetics
Classification: Uncertain significance for Inborn genetic diseases. Last evaluated: 2026-06-26. Review status: criteria provided, single submitter. Criteria: Ambry Variant Classification Scheme 2023. Collection method: clinical testing. Allele origin: germline.
Comment: The c.1345_1350dupGATCCA variant (also known as p.D449_P450dup), located in coding exon 5 of the MBD4 gene, results from an in-frame duplication of GATCCA at nucleotide positions 1345 to 1350. This results in the duplication of 2 extra residues (DP) between codons 449 and 450. This amino acid region is highly conserved in available vertebrate species. In addition, this variant is predicted to be deleterious by in silico analysis (Choi Y et al. PLoS ONE. 2012; 7(10):e46688). Based on the available evidence, the clinical significance of this variant remains unclear.

Labcorp Genetics (formerly Invitae), Labcorp
Classification: Uncertain significance. Last evaluated: 2025-06-27. Review status: criteria provided, single submitter. Criteria: Invitae Variant Classification Sherloc (09022015). Collection method: clinical testing. Allele origin: germline.
Comment: This variant, c.1363_1368dup, results in the insertion of 2 amino acid(s) of the MBD4 protein (p.Asp455_Pro456dup), but otherwise preserves the integrity of the reading frame. This variant is present in population databases (rs776455996, gnomAD 0.007%). This variant has not been reported in the literature in individuals affected with MBD4-related conditions. In summary, the available evidence is currently insufficient to determine the role of this variant in disease. Therefore, it has been classified as a Variant of Uncertain Significance.